The following is an entry in ClinVar:

NM_012418.4(FSCN2):c.1161C>T (p.Arg387=)

Gene: FSCN2 (fascin actin-bundling protein 2, retinal; plus strand). Cytogenetic location: 17q25.3.
Variant type: single nucleotide variant.
Coding change: c.1161C>T on transcript NM_012418.4 (MANE Select); coding-DNA position 1161, C replaced by T.
Protein change: p.Arg387=; no amino-acid change (arginine 387 retained).
Molecular consequence: synonymous variant.
Genome position (GRCh38, 1-based): chr17:81,536,677, C>T. VCF-style: chr17-81536677-C-T. GRCh37 (hg19) VCF-style: chr17-79503703-C-T.
Other names: c.1233C>T (NM_001077182.2); c.1233C>T, p.Arg411= (NM_001077182.3).
Identifiers: ClinVar variation 1137797 (VCV001137797.10), dbSNP rs745607542, ClinGen allele CA8837023.

ClinVar aggregate classification (germline): Likely benign. Review status: criteria provided, single submitter (1 of 4 stars). 2 submissions from 2 submitters: Likely benign (1). 1 of the submissions does not count toward it. Last evaluated 2023-08-07.

Conditions:
FSCN2-related disorder. Also called: FSCN2-related condition.

Allele frequency attached by ClinVar (database versions not stated): gnomAD 0.00001; gnomAD exomes 0.00001 and 0.00003; TOPMed 0.00001; ExAC 0.00003.

Submissions (2):

Labcorp Genetics (formerly Invitae), Labcorp
Classification: Likely benign. Last evaluated: 2023-08-07. Review status: criteria provided, single submitter. Criteria: Invitae Variant Classification Sherloc (09022015). Collection method: clinical testing. Allele origin: germline.

PreventionGenetics, part of Exact Sciences
Classification: Likely benign for FSCN2-related condition. Last evaluated: 2019-07-01. Review status: no assertion criteria provided. Collection method: clinical testing. Allele origin: germline. Not counted in ClinVar's aggregate classification.
Comment: This variant is classified as likely benign based on ACMG/AMP sequence variant interpretation guidelines (Richards et al. 2015 PMID: 25741868, with internal and published modifications).